The following is an entry in ClinVar:

ClinVar aggregate classification (germline): Uncertain significance. Review status: criteria provided, multiple submitters, no conflicts (2 of 4 stars). 2 submissions from 2 submitters: Uncertain significance (2). Last evaluated 2025-03-23.

Conditions:
Hereditary cancer-predisposing syndrome. Also called: Neoplastic Syndromes, Hereditary; Hereditary neoplastic syndrome; Tumor predisposition; Hereditary Cancer Syndrome. Identifiers: Orphanet 140162, MedGen C0027672, MeSH D009386, MONDO:0015356.
Cardiovascular phenotype. Identifiers: MedGen CN230736.

gnomAD v4.1: 1 of 1,613,758 alleles (0.000062%); highest among the groups gnomAD compares: Non-Finnish European, 0.000085%; no homozygotes.

Submissions (2):

Labcorp Genetics (formerly Invitae), Labcorp
Classification: Uncertain significance. Last evaluated: 2025-03-23. Review status: criteria provided, single submitter. Criteria: Invitae Variant Classification Sherloc (09022015). Collection method: clinical testing. Allele origin: germline.
Comment: This sequence change replaces methionine, which is neutral and non-polar, with isoleucine, which is neutral and non-polar, at codon 700 of the LZTR1 protein (p.Met700Ile). This variant is not present in population databases (gnomAD no frequency). This variant has not been reported in the literature in individuals affected with LZTR1-related conditions. ClinVar contains an entry for this variant (Variation ID: 2496797). Invitae Evidence Modeling of protein sequence and biophysical properties (such as structural, functional, and spatial information, amino acid conservation, physicochemical variation, residue mobility, and thermodynamic stability) indicates that this missense variant is not expected to disrupt LZTR1 protein function with a negative predictive value of 80%. In summary, the available evidence is currently insufficient to determine the role of this variant in disease. Therefore, it has been classified as a Variant of Uncertain Significance.

Ambry Genetics
Classification: Uncertain significance for Cardiovascular phenotype; Hereditary cancer-predisposing syndrome. Last evaluated: 2023-02-27. Review status: criteria provided, single submitter. Criteria: Ambry Variant Classification Scheme 2023. Collection method: clinical testing. Allele origin: germline.
Comment: The p.M700I variant (also known as c.2100G>A), located in coding exon 18 of the LZTR1 gene, results from a G to A substitution at nucleotide position 2100. The methionine at codon 700 is replaced by isoleucine, an amino acid with highly similar properties. This amino acid position is conserved. In addition, this alteration is predicted to be deleterious by in silico analysis. Since supporting evidence is limited at this time, the clinical significance of this alteration remains unclear.

NM_006767.4(LZTR1):c.2100G>A (p.Met700Ile)

Gene: LZTR1 (leucine zipper like post translational regulator 1; plus strand). Cytogenetic location: 22q11.21.
Variant type: single nucleotide variant.
Coding change: c.2100G>A on transcript NM_006767.4 (MANE Select); coding-DNA position 2100, G replaced by A.
Protein change: p.Met700Ile; replaces methionine 700 with isoleucine.
Molecular consequence: missense variant.
Genome position (GRCh38, 1-based): chr22:20,995,993, G>A. VCF-style: chr22-20995993-G-A. GRCh37 (hg19) VCF-style: chr22-21350282-G-A.
Other names: short protein forms M700I.
Identifiers: ClinVar variation 2496797 (VCV002496797.3), dbSNP rs373975296, ClinGen allele CA410779300.
Genomic context (GRCh38, chr22:20,995,993, plus strand): 5'-GGCCAGGTGCCTACCGCTCGTTGTCTGCAGCTACTTTGAAGCCATGTTCCGGTCCTTCAT[G>A]CCCGAAGATGGGCAGGTGAACATCTCCATCGGGGAGATGGTGCCCAGCAGGCAGGCCTTC-3'
Protein context (NP_006758.2, residues 690-710): SYFEAMFRSF[Met700Ile]PEDGQVNISI